The following is an entry in ClinVar:

ClinVar aggregate classification (germline): Uncertain significance (1 of 4 stars; one submission).

Conditions:
Hyper-IgE recurrent infection syndrome 1, autosomal dominant. Also called: JOB SYNDROME; Job's Syndrome; STAT3 Hyper IgE Syndrome; Hyper-IgE recurrent infection syndrome 1; HYPER-IgE SYNDROME 1, AUTOSOMAL DOMINANT, WITH RECURRENT INFECTIONS. Identifiers: Orphanet 2314, MedGen C2936739, MONDO:0007818, OMIM 147060.
STAT3 gain of function. Identifiers: MedGen C4288261.

Allele frequency attached by ClinVar (database versions not stated): gnomAD exomes below 0.00001.
gnomAD v4.1: 1 of 1,614,040 alleles (0.000062%); highest among the groups gnomAD compares: Non-Finnish European, 0.000085%; no homozygotes.

Submission:

Labcorp Genetics (formerly Invitae), Labcorp
Classification: Uncertain significance for STAT3 gain of function; Hyper-IgE recurrent infection syndrome 1, autosomal dominant. Last evaluated: 2022-12-13. Review status: criteria provided, single submitter. Criteria: Invitae Variant Classification Sherloc (09022015). Collection method: clinical testing. Allele origin: germline.
Comment: This sequence change replaces cysteine, which is neutral and slightly polar, with tyrosine, which is neutral and polar, at codon 426 of the STAT3 protein (p.Cys426Tyr). This variant is not present in population databases (gnomAD no frequency). This variant has not been reported in the literature in individuals affected with STAT3-related conditions. Advanced modeling of protein sequence and biophysical properties (such as structural, functional, and spatial information, amino acid conservation, physicochemical variation, residue mobility, and thermodynamic stability) performed at Invitae indicates that this missense variant is not expected to disrupt STAT3 protein function. This variant disrupts the p.Cys426 amino acid residue in STAT3. Other variant(s) that disrupt this residue have been determined to be pathogenic (PMID: 29378236, 31770611, 34619682). This suggests that this residue is clinically significant, and that variants that disrupt this residue are likely to be disease-causing. In summary, the available evidence is currently insufficient to determine the role of this variant in disease. Therefore, it has been classified as a Variant of Uncertain Significance.

Literature cited by the submitters: PubMed 29378236; PubMed 31770611; PubMed 34619682.

NM_139276.3(STAT3):c.1277G>A (p.Cys426Tyr)

Gene: STAT3 (signal transducer and activator of transcription 3; minus strand). Cytogenetic location: 17q21.2.
Variant type: single nucleotide variant.
Coding change: c.1277G>A on transcript NM_139276.3 (MANE Select); coding-DNA position 1277, G replaced by A.
Protein change: p.Cys426Tyr; replaces cysteine 426 with tyrosine.
Molecular consequence: missense variant.
Genome position (GRCh38, 1-based): chr17:42,329,414, C>T on the plus strand (G>A on the coding strand, the complement: STAT3 is on the minus strand). VCF-style: chr17-42329414-C-T. GRCh37 (hg19) VCF-style: chr17-40481432-C-T.
Other names: c.1277G>A, p.Cys426Tyr (NM_001369512.1, NM_001369513.1, NM_001369514.1 and 12 more transcripts); c.1199G>A, p.Cys400Tyr (NM_001384985.1); c.1292G>A, p.Cys431Tyr (NM_001384986.1, NM_001384990.1); c.1181G>A, p.Cys394Tyr (NM_001384989.1); c.1217G>A, p.Cys406Tyr (NM_001384992.1); short protein forms C406Y, C426Y, C400Y, C431Y, C394Y.
Identifiers: ClinVar variation 2942286 (VCV002942286.3), dbSNP rs2144766459, ClinGen allele CA399588425.